The following is an entry in ClinVar:

NM_001042492.3(NF1):c.3198-316A>G

Gene: NF1 (neurofibromin 1; plus strand). Cytogenetic location: 17q11.2.
Variant type: single nucleotide variant.
Coding change: c.3198-316A>G on transcript NM_001042492.3 (MANE Select); 316 bases into the intron before coding-DNA position 3198, A replaced by G.
Molecular consequence: intron variant.
Genome position (GRCh38, 1-based): chr17:31,231,757, A>G. VCF-style: chr17-31231757-A-G. GRCh37 (hg19) VCF-style: chr17-29558775-A-G.
Other names: c.3198-316A>G (NM_000267.4).
Identifiers: ClinVar variation 3042189 (VCV003042189.3), dbSNP rs1383978456, ClinGen allele CA625470928.

ClinVar aggregate classification (germline): Likely benign. Review status: criteria provided, single submitter (1 of 4 stars). 2 submissions from 2 submitters: Likely benign (1). 1 of the submissions does not count toward it. Last evaluated 2021-03-16.

Conditions:
NF1-related disorder. Also called: NF1-related condition. Identifiers: MedGen CN379171.

Allele frequency attached by ClinVar (database versions not stated): gnomAD 0.00001.
gnomAD v4.1: 1 of 152,070 alleles (0.00066%); highest among the groups gnomAD compares: Non-Finnish European, 0.0015%; no homozygotes.

Submissions (2):

Blueprint Genetics
Classification: Likely benign. Last evaluated: 2021-03-16. Review status: criteria provided, single submitter. Criteria: ACMG Guidelines, 2015. Collection method: clinical testing. Allele origin: germline.

PreventionGenetics, part of Exact Sciences
Classification: Likely benign for NF1-related condition. Last evaluated: 2022-05-31. Review status: no assertion criteria provided. Collection method: clinical testing. Allele origin: germline. Not counted in ClinVar's aggregate classification.
Comment: This variant is classified as likely benign based on ACMG/AMP sequence variant interpretation guidelines (Richards et al. 2015 PMID: 25741868, with internal and published modifications).